The following is an entry in ClinVar:

ClinVar aggregate classification (germline): Pathogenic/Likely pathogenic. Review status: criteria provided, multiple submitters, no conflicts (2 of 4 stars). 3 submissions from 3 submitters: Pathogenic (1); Likely pathogenic (2). Last evaluated 2025-04-30.

Conditions:
Hermansky-Pudlak syndrome (HPS). Also called: ALBINISM WITH HEMORRHAGIC DIATHESIS AND PIGMENTED RETICULOENDOTHELIAL CELLS. Identifiers: Orphanet 79430, MedGen C0079504, MONDO:0019312.
Hermansky-Pudlak syndrome 3 (HPS3). Identifiers: Orphanet 231512, Orphanet 79430, MedGen C3888001, MONDO:0013555, OMIM 614072.

Submissions (3):

Natera, Inc.
Classification: Likely pathogenic for Hermansky-Pudlak syndrome. Last evaluated: 2025-04-30. Review status: criteria provided, single submitter. Criteria: Natera Variant Classification Schema (03/2026). Collection method: clinical testing. Allele origin: germline.
Comment: The c.2796+1del variant in HPS3 is a canonical splice donor site variant predicted to affect pre-mRNA splicing, which may result in an abnormal transcript and altered protein product. This variant may result in a truncated or dysfunctional protein product. This variant is rare in the general population with a frequency below the threshold expected for the associated phenotype(s). Given the available evidence, this variant is classified as Likely Pathogenic.

Baylor Genetics
Classification: Likely pathogenic for Hermansky-Pudlak syndrome 3. Last evaluated: 2022-06-28. Review status: criteria provided, single submitter. Criteria: ACMG Guidelines, 2015. Collection method: clinical testing. Allele origin: unknown.

Labcorp Genetics (formerly Invitae), Labcorp
Classification: Pathogenic. Last evaluated: 2021-08-07. Review status: criteria provided, single submitter. Criteria: Invitae Variant Classification Sherloc (09022015). Collection method: clinical testing. Allele origin: germline.
Comment: For these reasons, this variant has been classified as Pathogenic. Algorithms developed to predict the effect of sequence changes on RNA splicing suggest that this variant may disrupt the consensus splice site. This variant is also known as c.2796+1del. This variant has not been reported in the literature in individuals affected with HPS3-related conditions. This variant is not present in population databases (ExAC no frequency). This sequence change creates a premature translational stop signal (p.Thr933Leufs*15) in the HPS3 gene. It is expected to result in an absent or disrupted protein product. Loss-of-function variants in HPS3 are known to be pathogenic (PMID: 11590544).

Literature cited by the submitters: PubMed 11590544 (cited by Labcorp Genetics (formerly Invitae), Labcorp).

NM_032383.5(HPS3):c.2796+1del

Genes: CP (ceruloplasmin; minus strand), HPS3 (HPS3 biogenesis of lysosomal organelles complex 2 subunit 1; plus strand). Cytogenetic location: 3q24.
Variant type: Deletion.
Coding change: c.2796+1del on transcript NM_032383.5 (MANE Select); the canonical splice donor site of the intron after coding-DNA position 2796, one base deleted (G; older notation c.2796+1delG).
Molecular consequence: splice donor variant.
Genome position (GRCh38, 1-based): chr3:149,167,241, G deleted; the last of 3 consecutive G bases (chr3:149,167,239-149,167,241); deleting any one gives the same sequence. VCF-style (leftmost placement, unchanged base first): chr3-149167238-CG-C. GRCh37 (hg19) VCF-style: chr3-148885025-CG-C.
Other names: c.2301+1del (NM_001308258.2); c.2796+1del (NM_032383.4).
Identifiers: ClinVar variation 1356541 (VCV001356541.9), dbSNP rs2108184819, ClinGen allele CA2573136588.